The following is an entry in ClinVar:

NM_000263.4(NAGLU):c.1947G>C (p.Trp649Cys)

Gene: NAGLU (N-acetyl-alpha-glucosaminidase; plus strand). Cytogenetic location: 17q21.2.
Variant type: single nucleotide variant.
Coding change: c.1947G>C on transcript NM_000263.4 (MANE Select); coding-DNA position 1947, G replaced by C.
Protein change: p.Trp649Cys; replaces tryptophan 649 with cysteine.
Molecular consequence: missense variant.
Genome position (GRCh38, 1-based): chr17:42,543,953, G>C. VCF-style: chr17-42543953-G-C. GRCh37 (hg19) VCF-style: chr17-40695971-G-C.
Other names: short protein forms W649C.
Identifiers: ClinVar variation 4818038 (VCV004818038.1).

ClinVar aggregate classification (germline): Likely pathogenic (1 of 4 stars; one submission).

Conditions:
Mucopolysaccharidosis, MPS-III-B (MPS3B). Also called: MPS IIIB (Sanfilippo Syndrome Type B); N-ACETYL-ALPHA-D-GLUCOSAMINIDASE DEFICIENCY; NAGLU DEFICIENCY; SANFILIPPO SYNDROME B; MPS III B; Mucopolysaccharidosis type IIIB (Sanfilippo B). Identifiers: Orphanet 79270, MedGen C0086648, MONDO:0009656, OMIM 252920.

Submission:

Natera, Inc.
Classification: Likely pathogenic for Mucopolysaccharidosis type IIIB. Last evaluated: 2024-05-06. Review status: criteria provided, single submitter. Criteria: Natera Variant Classification Schema (03/2026). Collection method: clinical testing. Allele origin: germline.
Comment: The c.1947G>C variant in NAGLU is a missense variant predicted to cause substitution of tryptophan to cysteine at amino acid 649. This variant is rare in the general population with a frequency below the threshold expected for the associated phenotype(s). Functional studies show that this variant may disrupt protein function (PMID: 11153910, 23840811). A different variant at the same position has been determined to be Pathogenic or Likely Pathogenic. Computational prediction algorithms indicate this variant is likely to affect gene or protein function. Given the available evidence, this variant is classified as Likely Pathogenic.

Literature cited by the submitters: PubMed 11153910; PubMed 23840811.